The following is an entry in ClinVar:

NM_021133.4(RNASEL):c.2172G>A (p.Lys724=)

Gene: RNASEL (ribonuclease L; minus strand). Cytogenetic location: 1q25.3.
Variant type: single nucleotide variant.
Coding change: c.2172G>A on transcript NM_021133.4 (MANE Select); coding-DNA position 2172, G replaced by A.
Protein change: p.Lys724=; no amino-acid change (lysine 724 retained).
Molecular consequence: synonymous variant.
Genome position (GRCh38, 1-based): chr1:182,575,446, C>T on the plus strand (G>A on the coding strand, the complement: RNASEL is on the minus strand). VCF-style: chr1-182575446-C-T. GRCh37 (hg19) VCF-style: chr1-182544581-C-T.
Identifiers: ClinVar variation 3055991 (VCV003055991.2), dbSNP rs36053738, ClinGen allele CA1277855.

ClinVar aggregate classification (germline): Benign (0 of 4 stars; one submission).

Conditions:
RNASEL-related disorder. Also called: RNASEL-related condition.

Allele frequency attached by ClinVar (database versions not stated): 1000 Genomes Project 30x 0.00999; 1000 Genomes Project 0.01058; TOPMed 0.02414; ESP Exome Variant Server 0.02952; gnomAD 0.02970; ExAC 0.03057; gnomAD exomes 0.04063.
gnomAD v4.1: 63,315 of 1,614,144 alleles (3.9%); highest among the groups gnomAD compares: Non-Finnish European, 4.6%; 1,615 homozygotes.

Submission:

PreventionGenetics, part of Exact Sciences
Classification: Benign for RNASEL-related condition. Last evaluated: 2020-01-27. Review status: no assertion criteria provided. Collection method: clinical testing. Allele origin: germline.
Comment: This variant is classified as benign based on ACMG/AMP sequence variant interpretation guidelines (Richards et al. 2015 PMID: 25741868, with internal and published modifications).